The following is an entry in ClinVar:

NM_000540.3(RYR1):c.5291G>A (p.Gly1764Glu)

Gene: RYR1 (ryanodine receptor 1; plus strand). Cytogenetic location: 19q13.2.
Variant type: single nucleotide variant.
Coding change: c.5291G>A on transcript NM_000540.3 (MANE Select); coding-DNA position 5291, G replaced by A.
Protein change: p.Gly1764Glu; replaces glycine 1764 with glutamic acid.
Molecular consequence: missense variant.
Genome position (GRCh38, 1-based): chr19:38,485,946, G>A. VCF-style: chr19-38485946-G-A. GRCh37 (hg19) VCF-style: chr19-38976586-G-A.
Other names: c.5291G>A, p.Gly1764Glu (NM_001042723.2); short protein forms G1764E.
Identifiers: ClinVar variation 4537026 (VCV004537026.1).

ClinVar aggregate classification (germline): Uncertain significance (1 of 4 stars; one submission).

Submission:

Women's Health and Genetics/Laboratory Corporation of America, LabCorp
Classification: Uncertain significance. Last evaluated: 2025-11-06. Review status: criteria provided, single submitter. Criteria: LabCorp Variant Classification Summary - May 2015. Collection method: clinical testing. Allele origin: germline.
Comment: Variant summary: RYR1 c.5291G>A (p.Gly1764Glu) results in a non-conservative amino acid change in the encoded protein sequence. Algorithms developed to predict the effect of missense changes on protein structure and function all suggest that this variant is likely to be disruptive. The variant was absent in 245258 control chromosomes. The available data on variant occurrences in the general population are insufficient to allow any conclusion about variant significance. To our knowledge, no occurrence of c.5291G>A in individuals affected with RYR1-related conditions and no experimental evidence demonstrating its impact on protein function have been reported. No submitters have cited clinical-significance assessments for this variant to ClinVar. Based on the evidence outlined above, the variant was classified as uncertain significance.